The following is an entry in ClinVar:

ClinVar aggregate classification (germline): Uncertain significance (1 of 4 stars; one submission).

gnomAD v4.1: 4 of 1,614,038 alleles (0.00025%); highest among the groups gnomAD compares: Middle Eastern, 0.016%; no homozygotes.

Submission:

Women's Health and Genetics/Laboratory Corporation of America, LabCorp
Classification: Uncertain significance. Last evaluated: 2024-05-31. Review status: criteria provided, single submitter. Criteria: LabCorp Variant Classification Summary - May 2015. Collection method: clinical testing. Allele origin: germline.
Comment: Variant summary: MLYCD c.899G>T (p.Gly300Val) results in a non-conservative amino acid change located in the malonyl-CoA decarboxylase, C-terminal domain (IPR007956) of the encoded protein sequence. Five of five in-silico tools predict a damaging effect of the variant on protein function. The variant allele was found at a frequency of 4e-06 in 249526 control chromosomes (gnomAD). The available data on variant occurrences in the general population are insufficient to allow any conclusion about variant significance. c.899G>T has been reported in the literature in at least an individual affected with deficiency of malonyl-CoA decarboxylase and <10% of residual enzymatic activity (example: Salomons_2006, Celato_MLYCD_BD_2013). These data do not allow any conclusion about variant significance. To our knowledge, no experimental evidence demonstrating an impact on protein function has been reported. The following publications have been ascertained in the context of this evaluation (PMID: 23177061, 17186413). No submitters have cited clinical-significance assessments for this variant to ClinVar. Based on the evidence outlined above, the variant was classified as uncertain significance.

Literature cited by the submitters: PubMed 23177061; PubMed 17186413.

NM_012213.3(MLYCD):c.899G>T (p.Gly300Val)

Genes: MLYCD (malonyl-CoA decarboxylase; plus strand), LOC126862422 (CDK7 strongly-dependent group 2 enhancer GRCh37_chr16:83945234-83946433; plus strand). Cytogenetic location: 16q23.3.
Variant type: single nucleotide variant.
Coding change: c.899G>T on transcript NM_012213.3 (MANE Select); coding-DNA position 899, G replaced by T.
Protein change: p.Gly300Val; replaces glycine 300 with valine.
Molecular consequence: missense variant.
Genome position (GRCh38, 1-based): chr16:83,912,318, G>T. VCF-style: chr16-83912318-G-T. GRCh37 (hg19) VCF-style: chr16-83945923-G-T.
Other names: short protein forms G300V.
Identifiers: ClinVar variation 3336397 (VCV003336397.1).
Genomic context (GRCh38, chr16:83,912,318, plus strand): 5'-AGAACAAAATCACTGCTGCGATCTTTTATTCCATCAGCTTGACCCAGCAGGGACTCCAAG[G>T]GGTGGAGCTGGGAACATTCCTCATAAAGCGAGTCGTCAAGGAGTTGCAGGTAAGCGACAC-3'
Protein context (NP_036345.2, residues 290-310): SISLTQQGLQ[Gly300Val]VELGTFLIKR